The following is an entry in ClinVar:

NM_024809.5(TCTN2):c.1505+3G>A

Gene: TCTN2 (tectonic family member 2; plus strand). Cytogenetic location: 12q24.31.
Variant type: single nucleotide variant.
Coding change: c.1505+3G>A on transcript NM_024809.5 (MANE Select); 3 bases into the intron after coding-DNA position 1505, G replaced by A.
Molecular consequence: intron variant.
Genome position (GRCh38, 1-based): chr12:123,697,201, G>A. VCF-style: chr12-123697201-G-A. GRCh37 (hg19) VCF-style: chr12-124181748-G-A.
Other names: c.1502+3G>A (NM_001143850.3).
Identifiers: ClinVar variation 2018143 (VCV002018143.4), dbSNP rs111574617, ClinGen allele CA2580085942.
Genomic context (GRCh38, chr12:123,697,201, plus strand): 5'-ATGTACTCTCTGGATGCCTGTTAGAAGTCGGGATTAATGAAAATTGTACTCAGCTCAGGT[G>A]AGTGTTTCATTGATGAATATATCGGCAATGTGAATGGTTTGCCTAGAATTAATTCACTAC-3'

ClinVar aggregate classification (germline): Uncertain significance (1 of 4 stars; one submission).

Conditions:
Joubert syndrome. Also called: CEREBELLOPARENCHYMAL DISORDER IV; JOUBERT-BOLTSHAUSER SYNDROME; Familial aplasia of the vermis. Identifiers: Orphanet 475, MedGen C5979921, MONDO:0018772.
Meckel-Gruber syndrome. Also called: DYSENCEPHALIA SPLANCHNOCYSTICA; GRUBER SYNDROME; Dysencephalia splachnocystica. Identifiers: Orphanet 564, MedGen C0265215, MONDO:0018921.

Submission:

Labcorp Genetics (formerly Invitae), Labcorp
Classification: Uncertain significance for Joubert syndrome; Meckel-Gruber syndrome. Last evaluated: 2023-10-03. Review status: criteria provided, single submitter. Criteria: Invitae Variant Classification Sherloc (09022015). Collection method: clinical testing. Allele origin: germline.
Comment: This sequence change falls in intron 13 of the TCTN2 gene. It does not directly change the encoded amino acid sequence of the TCTN2 protein. It affects a nucleotide within the consensus splice site. This variant is not present in population databases (gnomAD no frequency). This variant has not been reported in the literature in individuals affected with TCTN2-related conditions. ClinVar contains an entry for this variant (Variation ID: 2018143). Variants that disrupt the consensus splice site are a relatively common cause of aberrant splicing (PMID: 17576681, 9536098). Algorithms developed to predict the effect of sequence changes on RNA splicing suggest that this variant is not likely to affect RNA splicing. In summary, the available evidence is currently insufficient to determine the role of this variant in disease. Therefore, it has been classified as a Variant of Uncertain Significance.

Literature cited by the submitters: PubMed 17576681; PubMed 9536098.